The following is an entry in ClinVar:

NM_015021.3(ZNF292):c.5330C>T (p.Ser1777Phe)

Gene: ZNF292 (zinc finger protein 292; plus strand). Cytogenetic location: 6q14.3.
Variant type: single nucleotide variant.
Coding change: c.5330C>T on transcript NM_015021.3 (MANE Select); coding-DNA position 5330, C replaced by T.
Protein change: p.Ser1777Phe; replaces serine 1777 with phenylalanine.
Molecular consequence: missense variant.
Genome position (GRCh38, 1-based): chr6:87,258,959, C>T. VCF-style: chr6-87258959-C-T. GRCh37 (hg19) VCF-style: chr6-87968677-C-T.
Other names: c.4910C>T, p.Ser1637Phe (NM_001351444.2); short protein forms S1637F, S1777F.
Identifiers: ClinVar variation 975785 (VCV000975785.26), dbSNP rs41273279, ClinGen allele CA3914462.

ClinVar aggregate classification (germline): Likely benign. Review status: criteria provided, multiple submitters, no conflicts (2 of 4 stars). 3 submissions from 3 submitters: Likely benign (2). 1 of the submissions does not count toward it. Last evaluated 2026-08-01.

Conditions:
Intellectual disability. Also called: Intellectual developmental disorder; Intellectual functioning disability; intellectual disabilities. Identifiers: MedGen C3714756, MeSH D008607, MONDO:0001071, HP:0001249.

Allele frequency attached by ClinVar (database versions not stated): ESP Exome Variant Server 0.00034; TOPMed 0.00047; gnomAD 0.00055 and 0.00056; gnomAD exomes 0.00057; ExAC 0.00059; 1000 Genomes Project 0.00100; 1000 Genomes Project 30x 0.00109.
gnomAD v4.1: 574 of 1,612,988 alleles (0.036%); highest among the groups gnomAD compares: Middle Eastern, 0.17%; no homozygotes.

Submissions (3):

CeGaT Center for Human Genetics Tuebingen
Classification: Likely benign. Last evaluated: 2026-08-01. Review status: criteria provided, single submitter. Criteria: CeGaT Center For Human Genetics Tuebingen Variant Classification Criteria Version 2. Collection method: clinical testing. Allele origin: germline. Affected: yes. Observed: 12 variant alleles.
Comment: ZNF292: BP4, BS1

Breakthrough Genomics
Classification: Likely benign. Review status: criteria provided, single submitter. Criteria: ACMG Guidelines, 2015. Collection method: not provided. Allele origin: germline. Inheritance: Autosomal dominant inheritance. Affected: yes.

Centre de Biologie Pathologie Génétique, Centre Hospitalier Universitaire de Lille
Classification: Likely benign for Intellectual disability. Last evaluated: 2019-01-01. Review status: no assertion criteria provided. Collection method: clinical testing. Allele origin: inherited. Affected: yes. Not counted in ClinVar's aggregate classification.